The following is an entry in ClinVar:

ClinVar aggregate classification (germline): Uncertain significance (1 of 4 stars; one submission).

Allele frequency attached by ClinVar (database versions not stated): gnomAD exomes below 0.00001 and 0.00001.
gnomAD v4.1: 14 of 1,614,218 alleles (0.00087%); highest among the groups gnomAD compares: Non-Finnish European, 0.0012%; no homozygotes.

Submission:

Labcorp Genetics (formerly Invitae), Labcorp
Classification: Uncertain significance. Last evaluated: 2022-08-15. Review status: criteria provided, single submitter. Criteria: Invitae Variant Classification Sherloc (09022015). Collection method: clinical testing. Allele origin: germline.
Comment: This variant has not been reported in the literature in individuals affected with TRRAP-related conditions. In summary, the available evidence is currently insufficient to determine the role of this variant in disease. Therefore, it has been classified as a Variant of Uncertain Significance. Algorithms developed to predict the effect of missense changes on protein structure and function are either unavailable or do not agree on the potential impact of this missense change (SIFT: "Deleterious"; PolyPhen-2: "Probably Damaging"; Align-GVGD: "Class C0"). ClinVar contains an entry for this variant (Variation ID: 1513059). This variant is present in population databases (no rsID available, gnomAD 0.0009%). This sequence change replaces phenylalanine, which is neutral and non-polar, with tyrosine, which is neutral and polar, at codon 3683 of the TRRAP protein (p.Phe3683Tyr).

NM_001375524.1(TRRAP):c.11177T>A (p.Phe3726Tyr)

Gene: TRRAP (transformation/transcription domain associated protein; plus strand). Cytogenetic location: 7q22.1.
Variant type: single nucleotide variant.
Coding change: c.11177T>A on transcript NM_001375524.1 (MANE Select); coding-DNA position 11177, T replaced by A.
Protein change: p.Phe3726Tyr; replaces phenylalanine 3726 with tyrosine.
Molecular consequence: missense variant.
Genome position (GRCh38, 1-based): chr7:99,011,375, T>A. VCF-style: chr7-99011375-T-A. GRCh37 (hg19) VCF-style: chr7-98608998-T-A.
Other names: c.11135T>A, p.Phe3712Tyr (NM_001244580.2); c.11048T>A, p.Phe3683Tyr (NM_003496.4); short protein forms F3683Y, F3712Y, F3726Y.
Identifiers: ClinVar variation 1513059 (VCV001513059.6), dbSNP rs1404700012, ClinGen allele CA368343329.